The following is an entry in ClinVar:

ClinVar aggregate classification (germline): Uncertain significance (1 of 4 stars; one submission).

Conditions:
Baller-Gerold syndrome (BGS). Also called: CRANIOSYNOSTOSIS WITH RADIAL DEFECTS. Identifiers: Orphanet 1225, MedGen C0265308, MONDO:0009039, OMIM 218600.

gnomAD v4.1: 4 of 1,519,932 alleles (0.00026%); highest among the groups gnomAD compares: Non-Finnish European, 0.00035%; no homozygotes.

Submission:

Labcorp Genetics (formerly Invitae), Labcorp
Classification: Uncertain significance for Baller-Gerold syndrome. Last evaluated: 2024-06-17. Review status: criteria provided, single submitter. Criteria: Invitae Variant Classification Sherloc (09022015). Collection method: clinical testing. Allele origin: germline.
Comment: This sequence change replaces glycine, which is neutral and non-polar, with arginine, which is basic and polar, at codon 120 of the RECQL4 protein (p.Gly120Arg). This variant is not present in population databases (gnomAD no frequency). This variant has not been reported in the literature in individuals affected with RECQL4-related conditions. ClinVar contains an entry for this variant (Variation ID: 1022321). Advanced modeling of protein sequence and biophysical properties (such as structural, functional, and spatial information, amino acid conservation, physicochemical variation, residue mobility, and thermodynamic stability) performed at Invitae indicates that this missense variant is not expected to disrupt RECQL4 protein function with a negative predictive value of 80%. In summary, the available evidence is currently insufficient to determine the role of this variant in disease. Therefore, it has been classified as a Variant of Uncertain Significance.

NM_004260.4(RECQL4):c.358G>A (p.Gly120Arg)

Gene: RECQL4 (RecQ like helicase 4; minus strand). Cytogenetic location: 8q24.3.
Variant type: single nucleotide variant.
Coding change: c.358G>A on transcript NM_004260.4 (MANE Select); coding-DNA position 358, G replaced by A.
Protein change: p.Gly120Arg; replaces glycine 120 with arginine.
Molecular consequence: missense variant.
Genome position (GRCh38, 1-based): chr8:144,516,761, C>T on the plus strand (G>A on the coding strand, the complement: RECQL4 is on the minus strand). VCF-style: chr8-144516761-C-T. GRCh37 (hg19) VCF-style: chr8-145742145-C-T.
Other names: short protein forms G120R.
Identifiers: ClinVar variation 1022321 (VCV001022321.5), dbSNP rs571635676, ClinGen allele CA372691787.